The following is an entry in ClinVar:

NM_019066.5(MAGEL2):c.1387_1407del (p.Ala463_Pro469del)

Gene: MAGEL2 (MAGE family member L2; minus strand). Cytogenetic location: 15q11.2.
Variant type: Deletion.
Coding change: c.1387_1407del on transcript NM_019066.5 (MANE Select); coding-DNA positions 1387 to 1407, 21 bases deleted (GCTGTGATCCGCCAGGCCCCA).
Protein change: p.Ala463_Pro469del.
Molecular consequence: inframe deletion.
Genome position (GRCh38, 1-based): chr15:23,646,336-23,646,356, TGGGGCCTGGCGGATCACAGC deleted on the plus strand (GCTGTGATCCGCCAGGCCCCA on the coding strand, the reverse complement: MAGEL2 is on the minus strand). VCF-style (leftmost placement, unchanged base first): chr15-23646335-GTGGGGCCTGGCGGATCACAGC-G. GRCh37 (hg19) VCF-style: chr15-23891482-GTGGGGCCTGGCGGATCACAGC-G.
Identifiers: ClinVar variation 2073500 (VCV002073500.5), dbSNP rs771210677, ClinGen allele CA7430041.

ClinVar aggregate classification (germline): Conflicting classifications of pathogenicity. Review status: criteria provided, conflicting classifications (1 of 4 stars). 2 submissions from 2 submitters: Uncertain significance (1); Likely benign (1). Last evaluated 2024-11-18.

Conditions:
Inborn genetic diseases. Identifiers: MedGen C0950123, MeSH D030342.

Allele frequency attached by ClinVar (database versions not stated): gnomAD 0.00018; ExAC 0.00064; 1000 Genomes Project 30x 0.00031.

Submissions (2):

Labcorp Genetics (formerly Invitae), Labcorp
Classification: Uncertain significance. Last evaluated: 2024-11-18. Review status: criteria provided, single submitter. Criteria: Invitae Variant Classification Sherloc (09022015). Collection method: clinical testing. Allele origin: germline.
Comment: This variant, c.1387_1407del, results in the deletion of 7 amino acid(s) of the MAGEL2 protein (p.Ala463_Pro469del), but otherwise preserves the integrity of the reading frame. The frequency data for this variant in the population databases is considered unreliable, as metrics indicate poor data quality at this position in the gnomAD database. This variant has not been reported in the literature in individuals affected with MAGEL2-related conditions. ClinVar contains an entry for this variant (Variation ID: 2073500). Experimental studies and prediction algorithms are not available or were not evaluated, and the functional significance of this variant is currently unknown. In summary, the available evidence is currently insufficient to determine the role of this variant in disease. Therefore, it has been classified as a Variant of Uncertain Significance.

Ambry Genetics
Classification: Likely benign for Inborn genetic diseases. Last evaluated: 2022-04-14. Review status: criteria provided, single submitter. Criteria: Ambry Variant Classification Scheme 2023. Collection method: clinical testing. Allele origin: germline.